The following is an entry in ClinVar:

ClinVar aggregate classification (germline): Uncertain significance (1 of 4 stars; one submission).

Allele frequency attached by ClinVar (database versions not stated): gnomAD 0.00001.
gnomAD v4.1: 5 of 1,606,248 alleles (0.00031%); highest among the groups gnomAD compares: East Asian, 0.011%; no homozygotes.

Submission:

Labcorp Genetics (formerly Invitae), Labcorp
Classification: Uncertain significance. Last evaluated: 2022-10-24. Review status: criteria provided, single submitter. Criteria: Invitae Variant Classification Sherloc (09022015). Collection method: clinical testing. Allele origin: germline.
Comment: This sequence change replaces arginine, which is basic and polar, with glycine, which is neutral and non-polar, at codon 522 of the P3H2 protein (p.Arg522Gly). This variant is present in population databases (rs371246626, gnomAD 0.04%). This variant has not been reported in the literature in individuals affected with P3H2-related conditions. Advanced modeling of protein sequence and biophysical properties (such as structural, functional, and spatial information, amino acid conservation, physicochemical variation, residue mobility, and thermodynamic stability) performed at Invitae indicates that this missense variant is not expected to disrupt P3H2 protein function. In summary, the available evidence is currently insufficient to determine the role of this variant in disease. Therefore, it has been classified as a Variant of Uncertain Significance.

NM_018192.4(P3H2):c.1564C>G (p.Arg522Gly)

Gene: P3H2 (prolyl 3-hydroxylase 2; minus strand). Cytogenetic location: 3q28.
Variant type: single nucleotide variant.
Coding change: c.1564C>G on transcript NM_018192.4 (MANE Select); coding-DNA position 1564, C replaced by G.
Protein change: p.Arg522Gly; replaces arginine 522 with glycine.
Molecular consequence: missense variant.
Genome position (GRCh38, 1-based): chr3:189,973,009, G>C on the plus strand (C>G on the coding strand, the complement: P3H2 is on the minus strand). VCF-style: chr3-189973009-G-C. GRCh37 (hg19) VCF-style: chr3-189690798-G-C.
Other names: c.1021C>G, p.Arg341Gly (NM_001134418.2); short protein forms R341G, R522G.
Identifiers: ClinVar variation 2012910 (VCV002012910.1), dbSNP rs371246626, ClinGen allele CA2752848.